The following is an entry in ClinVar:

NM_014159.7(SETD2):c.3793G>A (p.Glu1265Lys)

Gene: SETD2 (SET domain containing 2, histone lysine methyltransferase; minus strand). Cytogenetic location: 3p21.31.
Variant type: single nucleotide variant.
Coding change: c.3793G>A on transcript NM_014159.7 (MANE Select); coding-DNA position 3793, G replaced by A.
Protein change: p.Glu1265Lys; replaces glutamic acid 1265 with lysine.
Molecular consequence: missense variant. On other transcripts: non-coding transcript variant (1).
Genome position (GRCh38, 1-based): chr3:47,120,843, C>T on the plus strand (G>A on the coding strand, the complement: SETD2 is on the minus strand). VCF-style: chr3-47120843-C-T. GRCh37 (hg19) VCF-style: chr3-47162333-C-T.
Other names: c.3661G>A, p.Glu1221Lys (NM_001349370.3); short protein forms E1221K, E1265K.
Identifiers: ClinVar variation 2662174 (VCV002662174.2), dbSNP rs1337050438, ClinGen allele CA352521155.

ClinVar aggregate classification (germline): Uncertain significance (1 of 4 stars; one submission).

Allele frequency attached by ClinVar (database versions not stated): gnomAD exomes below 0.00001.
gnomAD v4.1: 2 of 1,614,198 alleles (0.00012%); highest among the groups gnomAD compares: Non-Finnish European, 0.00017%; no homozygotes.

Submission:

GeneDx
Classification: Uncertain significance. Last evaluated: 2024-03-18. Review status: criteria provided, single submitter. Criteria: GeneDx Variant Classification Process June 2021. Collection method: clinical testing. Allele origin: germline.
Comment: In silico analysis supports that this missense variant has a deleterious effect on protein structure/function; Has not been previously published as pathogenic or benign to our knowledge